The following is an entry in ClinVar:

NM_000428.3(LTBP2):c.412del (p.Ala138fs)

Gene: LTBP2 (latent transforming growth factor beta binding protein 2; minus strand). Cytogenetic location: 14q24.3.
Variant type: Deletion.
Coding change: c.412del on transcript NM_000428.3 (MANE Select); coding-DNA position 412, one base deleted (G; older notation c.412delG).
Protein change: p.Ala138fs; shifts the reading frame from alanine 138.
Molecular consequence: frameshift variant.
Genome position (GRCh38, 1-based): chr14:74,611,533, C deleted on the plus strand (G on the coding strand, the reverse complement: LTBP2 is on the minus strand); the first of 3 consecutive C bases (chr14:74,611,533-74,611,535); deleting any one gives the same sequence. VCF-style (leftmost placement, unchanged base first): chr14-74611532-GC-G. GRCh37 (hg19) VCF-style: chr14-75078235-GC-G.
Other names: c.412delG (NM_000428.3); short protein forms A138fs.
Identifiers: ClinVar variation 7555 (VCV000007555.1), dbSNP rs1566660365, ClinGen allele CA891844263.
Genomic context (GRCh38, chr14:74,611,532, plus strand): 5'-GGGGTTGGGGGCGCAGCCCCAGACCGCTGTGGGGTCCCCAGGCGTGGGAGAGCCGGCGCG[GC>G]CCGGGTCCGGGGTGCTGGTTGCTGCTGGCCCAGGGGAGTGCTTCTCCGGGTCTGCGCAGG-3'

ClinVar aggregate classification (germline): Likely pathogenic. Review status: criteria provided, single submitter (1 of 4 stars). 2 submissions from 2 submitters: Likely pathogenic (1). 1 of the submissions does not count toward it. Last evaluated 2025-06-20.

Conditions:
Glaucoma 3A. Also called: Glaucoma 3, primary congenital, A. Identifiers: Orphanet 98976, Orphanet 98977, MedGen C1856439, MONDO:0009277, OMIM 231300.
Glaucoma 3, primary congenital, D. Identifiers: Orphanet 98976, MedGen C2751316, MONDO:0013122, OMIM 613086.

Submissions (2):

Institute of Basic Medical Sciences, Khyber Medical University, Peshawar
Classification: Likely pathogenic for Glaucoma 3A. Last evaluated: 2025-06-20. Review status: criteria provided, single submitter. Criteria: ACMG Guidelines, 2015. Collection method: clinical testing. Allele origin: germline. Inheritance: Autosomal recessive inheritance. Affected: yes. Observed: 1 homozygote.
Comment: The variant is also predicted to be likely pathogenic by multiple online prediction tools, in accordance with ACMG guidelines (2015). This mutation has also been reported in a Pakistani family with the same phenotype as a likely disease-causing variant (PMC2680998).

OMIM
Classification: Pathogenic for GLAUCOMA 3, PRIMARY CONGENITAL, D. Last evaluated: 2009-05-01. Review status: no assertion criteria provided. Collection method: literature only. Allele origin: germline. Not counted in ClinVar's aggregate classification.

Literature cited by the submitters: PubMed 10655546 (cited by Institute of Basic Medical Sciences, Khyber Medical University, Peshawar); PubMed 19361779 (cited by OMIM).